The following is an entry in ClinVar:

ClinVar aggregate classification (germline): Likely benign. Review status: criteria provided, multiple submitters, no conflicts (2 of 4 stars). 3 submissions from 3 submitters: Likely benign (2). 1 of the submissions does not count toward it. Last evaluated 2025-09-12.

Conditions:
Evans syndrome, immunodeficiency, and premature immunosenescence associated with tripeptidyl-peptidase II deficiency. Identifiers: MedGen CN231723. Disease mechanism: loss of function.
TPP2-related disorder. Also called: TPP2-related condition.

Allele frequency attached by ClinVar (database versions not stated): gnomAD 0.00016 and 0.00017; 1000 Genomes Project 0.00020; ESP Exome Variant Server 0.00023.
gnomAD v4.1: 92 of 1,577,636 alleles (0.0058%); highest among the groups gnomAD compares: African/African-American, 0.051%; no homozygotes.

Submissions (3):

Labcorp Genetics (formerly Invitae), Labcorp
Classification: Likely benign for Evans syndrome, immunodeficiency, and premature immunosenescence associated with tripeptidyl-peptidase II deficiency. Last evaluated: 2025-09-12. Review status: criteria provided, single submitter. Criteria: Invitae Variant Classification Sherloc (09022015). Collection method: clinical testing. Allele origin: germline.

Blueprint Genetics
Classification: Likely benign. Last evaluated: 2024-07-31. Review status: criteria provided, single submitter. Criteria: ACMG Guidelines, 2015. Collection method: clinical testing. Allele origin: germline.

PreventionGenetics, part of Exact Sciences
Classification: Likely benign for TPP2-related condition. Last evaluated: 2020-03-30. Review status: no assertion criteria provided. Collection method: clinical testing. Allele origin: germline. Not counted in ClinVar's aggregate classification.
Comment: This variant is classified as likely benign based on ACMG/AMP sequence variant interpretation guidelines (Richards et al. 2015 PMID: 25741868, with internal and published modifications).

NM_001330588.2(TPP2):c.3240+8A>G

Gene: TPP2 (tripeptidyl peptidase 2; plus strand). Cytogenetic location: 13q33.1.
Variant type: single nucleotide variant.
Coding change: c.3240+8A>G on transcript NM_001330588.2 (MANE Select); 8 bases into the intron after coding-DNA position 3240, A replaced by G.
Molecular consequence: intron variant.
Genome position (GRCh38, 1-based): chr13:102,663,752, A>G. VCF-style: chr13-102663752-A-G. GRCh37 (hg19) VCF-style: chr13-103316102-A-G.
Other names: c.3201+8A>G (NM_001367947.1, NM_003291.4, NM_003291.3).
Identifiers: ClinVar variation 1159879 (VCV001159879.12), dbSNP rs373826214, ClinGen allele CA7038221.